The following is an entry in ClinVar:

ClinVar aggregate classification (germline): Benign (0 of 4 stars; one submission).

Conditions:
GPR174-related disorder. Also called: GPR174-related condition.

Allele frequency attached by ClinVar (database versions not stated): 1000 Genomes Project 30x 0.46493; 1000 Genomes Project 0.46675; TOPMed 0.49431; ESP Exome Variant Server 0.53110.

Submission:

PreventionGenetics, part of Exact Sciences
Classification: Benign for GPR174-related condition. Last evaluated: 2019-10-21. Review status: no assertion criteria provided. Collection method: clinical testing. Allele origin: germline.
Comment: This variant is classified as benign based on ACMG/AMP sequence variant interpretation guidelines (Richards et al. 2015 PMID: 25741868, with internal and published modifications).

NM_032553.3(GPR174):c.484T>C (p.Ser162Pro)

Gene: GPR174 (G protein-coupled receptor 174; plus strand). Cytogenetic location: Xq21.1.
Variant type: single nucleotide variant.
Coding change: c.484T>C on transcript NM_032553.3 (MANE Select); coding-DNA position 484, T replaced by C.
Protein change: p.Ser162Pro; replaces serine 162 with proline.
Molecular consequence: missense variant.
Genome position (GRCh38, 1-based): chrX:79,171,491, T>C. VCF-style: chrX-79171491-T-C. GRCh37 (hg19) VCF-style: chrX-78426988-T-C.
Other names: short protein forms S162P.
Identifiers: ClinVar variation 3058904 (VCV003058904.2), dbSNP rs3827440, ClinGen allele CA10460873.